The following is an entry in ClinVar:

NM_000212.3(ITGB3):c.281C>T (p.Pro94Leu)

Gene: ITGB3 (integrin subunit beta 3; plus strand). Cytogenetic location: 17q21.32.
Variant type: single nucleotide variant.
Coding change: c.281C>T on transcript NM_000212.3 (MANE Select); coding-DNA position 281, C replaced by T.
Protein change: p.Pro94Leu; replaces proline 94 with leucine.
Molecular consequence: missense variant.
Genome position (GRCh38, 1-based): chr17:47,283,469, C>T. VCF-style: chr17-47283469-C-T. GRCh37 (hg19) VCF-style: chr17-45360835-C-T.
Other names: short protein forms P94L.
Identifiers: ClinVar variation 3111440 (VCV003111440.2), dbSNP rs1382006121, ClinGen allele CA400020779.

ClinVar aggregate classification (germline): Uncertain significance. Review status: criteria provided, multiple submitters, no conflicts (2 of 4 stars). 2 submissions from 2 submitters: Uncertain significance (2). Last evaluated 2025-06-03.

Conditions:
Inborn genetic diseases. Identifiers: MedGen C0950123, MeSH D030342.

Allele frequency attached by ClinVar (database versions not stated): gnomAD 0.00001.
gnomAD v4.1: 4 of 1,614,090 alleles (0.00025%); highest among the groups gnomAD compares: Non-Finnish European, 0.00034%; no homozygotes.

Submissions (2):

Labcorp Genetics (formerly Invitae), Labcorp
Classification: Uncertain significance. Last evaluated: 2025-06-03. Review status: criteria provided, single submitter. Criteria: Invitae Variant Classification Sherloc (09022015). Collection method: clinical testing. Allele origin: germline.
Comment: This sequence change replaces proline, which is neutral and non-polar, with leucine, which is neutral and non-polar, at codon 94 of the ITGB3 protein (p.Pro94Leu). This variant is present in population databases (no rsID available, gnomAD 0.003%). This variant has not been reported in the literature in individuals affected with ITGB3-related conditions. ClinVar contains an entry for this variant (Variation ID: 3111440). Invitae Evidence Modeling of protein sequence and biophysical properties (such as structural, functional, and spatial information, amino acid conservation, physicochemical variation, residue mobility, and thermodynamic stability) indicates that this missense variant is expected to disrupt ITGB3 protein function with a positive predictive value of 95%. In summary, the available evidence is currently insufficient to determine the role of this variant in disease. Therefore, it has been classified as a Variant of Uncertain Significance.

Ambry Genetics
Classification: Uncertain significance for Inborn genetic diseases. Last evaluated: 2023-10-25. Review status: criteria provided, single submitter. Criteria: Ambry Variant Classification Scheme 2023. Collection method: clinical testing. Allele origin: germline.